The following is an entry in ClinVar:

ClinVar aggregate classification (germline): Pathogenic. Review status: criteria provided, multiple submitters, no conflicts (2 of 4 stars). 2 submissions from 2 submitters: Pathogenic (2). Last evaluated 2025-09-14.

Conditions:
Bloom syndrome (BLM). Also called: Bloom-Torre-Machacek syndrome. Identifiers: Orphanet 125, MedGen C0005859, MONDO:0008876, OMIM 210900.

Submissions (2):

Labcorp Genetics (formerly Invitae), Labcorp
Classification: Pathogenic for Bloom syndrome. Last evaluated: 2025-09-14. Review status: criteria provided, single submitter. Criteria: Invitae Variant Classification Sherloc (09022015). Collection method: clinical testing. Allele origin: germline.
Comment: This sequence change creates a premature translational stop signal (p.Asp877Glufs*11) in the BLM gene. It is expected to result in an absent or disrupted protein product. Loss-of-function variants in BLM are known to be pathogenic (PMID: 17407155). This variant is not present in population databases (gnomAD no frequency). This variant has not been reported in the literature in individuals affected with BLM-related conditions. For these reasons, this variant has been classified as Pathogenic.

Myriad Genetics, Inc.
Classification: Pathogenic for Bloom syndrome. Last evaluated: 2025-05-29. Review status: criteria provided, single submitter. Criteria: Myriad Autosomal Dominant, Autosomal Recessive and X-Linked Classification Criteria (2023). Collection method: clinical testing. Allele origin: unknown.
Comment: NM_000057.3(BLM):c.2608_2630dup23(D877Efs*11) is a frameshift variant classified as pathogenic in the context of Bloom syndrome. D877Efs*11 has not been observed in cases with relevant disease. Relevant functional assessments of this variant are not available in the literature. D877Efs*11 has not been observed in referenced population frequency databases. In summary, NM_000057.3(BLM):c.2608_2630dup23(D877Efs*11) is a frameshift variant in a gene where loss of function is a known mechanism of disease and is predicted to disrupt protein function. Please note: this variant was assessed in the context of healthy population screening.

Literature cited by the submitters: PubMed 17407155 (cited by Labcorp Genetics (formerly Invitae), Labcorp).

NM_000057.4(BLM):c.2608_2630dup (p.Asp877fs)

Gene: BLM (BLM RecQ like helicase; plus strand). Cytogenetic location: 15q26.1.
Variant type: Duplication.
Coding change: c.2608_2630dup on transcript NM_000057.4 (MANE Select); coding-DNA positions 2608 to 2630, 23 bases duplicated (AAGCCTAAAAAGGTGGCATTTGA).
Protein change: p.Asp877fs; shifts the reading frame from aspartic acid 877.
Molecular consequence: frameshift variant.
Genome position (GRCh38, 1-based): chr15:90,782,874-90,782,896, AAGCCTAAAAAGGTGGCATTTGA duplicated; duplicating any 23 consecutive bases within chr15:90,782,873-90,782,896 gives the same sequence; the c. name uses the placement nearest the transcript's 3' end. VCF-style (leftmost placement, unchanged base first): chr15-90782872-A-AAAAGCCTAAAAAGGTGGCATTTG. GRCh37 (hg19) VCF-style: chr15-91326102-A-AAAAGCCTAAAAAGGTGGCATTTG.
Other names: c.2608_2630dup, p.Asp877fs (NM_001287246.2, NM_001287247.2); c.1483_1505dup, p.Asp502fs (NM_001287248.2); short protein forms D502fs, D877fs.
Identifiers: ClinVar variation 4081600 (VCV004081600.2).